The following is an entry in ClinVar:

ClinVar aggregate classification (germline): Benign (0 of 4 stars; one submission).

Conditions:
CEP170B-related disorder. Also called: CEP170B-related condition.

Allele frequency attached by ClinVar (database versions not stated): gnomAD exomes 0.09137; 1000 Genomes Project 0.14557; 1000 Genomes Project 30x 0.15162; ESP Exome Variant Server 0.16309; ExAC 0.16695; gnomAD 0.17269; TOPMed 0.17908.

Submission:

PreventionGenetics, part of Exact Sciences
Classification: Benign for CEP170B-related condition. Last evaluated: 2019-10-29. Review status: no assertion criteria provided. Collection method: clinical testing. Allele origin: germline.
Comment: This variant is classified as benign based on ACMG/AMP sequence variant interpretation guidelines (Richards et al. 2015 PMID: 25741868, with internal and published modifications).

NM_001112726.3(CEP170B):c.1119T>C (p.Ala373=)

Gene: CEP170B (centrosomal protein 170B; plus strand). Cytogenetic location: 14q32.33.
Variant type: single nucleotide variant.
Coding change: c.1119T>C on transcript NM_001112726.3 (MANE Select); coding-DNA position 1119, T replaced by C.
Protein change: p.Ala373=; no amino-acid change (alanine 373 retained).
Molecular consequence: synonymous variant.
Genome position (GRCh38, 1-based): chr14:104,883,898, T>C. VCF-style: chr14-104883898-T-C. GRCh37 (hg19) VCF-style: chr14-105350235-T-C.
Other names: c.909T>C, p.Ala303= (NM_015005.3).
Identifiers: ClinVar variation 3060008 (VCV003060008.2), dbSNP rs2582555, ClinGen allele CA7375514.